The following is an entry in ClinVar:

NM_000271.5(NPC1):c.80G>A (p.Trp27Ter)

Gene: NPC1 (NPC intracellular cholesterol transporter 1; minus strand). Cytogenetic location: 18q11.2.
Variant type: single nucleotide variant.
Coding change: c.80G>A on transcript NM_000271.5 (MANE Select); coding-DNA position 80, G replaced by A.
Protein change: p.Trp27Ter; replaces tryptophan 27 with a stop codon.
Molecular consequence: nonsense.
Genome position (GRCh38, 1-based): chr18:23,573,552, C>T on the plus strand (G>A on the coding strand, the complement: NPC1 is on the minus strand). VCF-style: chr18-23573552-C-T. GRCh37 (hg19) VCF-style: chr18-21153516-C-T.
Other names: short protein forms W27*.
Identifiers: ClinVar variation 1999604 (VCV001999604.4), dbSNP rs2511358068, ClinGen allele CA402041399.

ClinVar aggregate classification (germline): Pathogenic (1 of 4 stars; one submission).

Conditions:
Niemann-Pick disease, type C1. Also called: NIEMANN-PICK DISEASE, VARIANT TYPE C1; NEUROVISCERAL STORAGE DISEASE WITH VERTICAL SUPRANUCLEAR OPHTHALMOPLEGIA; NIEMANN-PICK DISEASE WITH CHOLESTEROL ESTERIFICATION BLOCK; NIEMANN-PICK DISEASE WITHOUT SPHINGOMYELINASE DEFICIENCY; NIEMANN-PICK DISEASE, CHRONIC NEURONOPATHIC FORM. Identifiers: Orphanet 646, MedGen C3179455, MONDO:0009757, OMIM 257220.

Submission:

Labcorp Genetics (formerly Invitae), Labcorp
Classification: Pathogenic for Niemann-Pick disease, type C1. Last evaluated: 2022-07-13. Review status: criteria provided, single submitter. Criteria: Invitae Variant Classification Sherloc (09022015). Collection method: clinical testing. Allele origin: germline.
Comment: This variant is not present in population databases (gnomAD no frequency). For these reasons, this variant has been classified as Pathogenic. This variant has not been reported in the literature in individuals affected with NPC1-related conditions. This sequence change creates a premature translational stop signal (p.Trp27*) in the NPC1 gene. It is expected to result in an absent or disrupted protein product. Loss-of-function variants in NPC1 are known to be pathogenic (PMID: 9211850).

Literature cited by the submitters: PubMed 9211850.